The following is an entry in ClinVar:

ClinVar aggregate classification (germline): Conflicting classifications of pathogenicity. Review status: criteria provided, conflicting classifications (1 of 4 stars). 2 submissions from 2 submitters: Pathogenic (1); Uncertain significance (1). Last evaluated 2022-05-14.

Conditions:
Hereditary cancer-predisposing syndrome. Also called: Tumor predisposition; Neoplastic Syndromes, Hereditary; Hereditary neoplastic syndrome; Hereditary Cancer Syndrome. Identifiers: Orphanet 140162, MedGen C0027672, MeSH D009386, MONDO:0015356.
Melanoma-pancreatic cancer syndrome. Identifiers: Orphanet 404560, MedGen C1838547, MONDO:0011713, OMIM 606719. Disease mechanism: loss of function.

Allele frequency attached by ClinVar (database versions not stated): gnomAD 0.00001; 1000 Genomes Project 30x 0.00016.
gnomAD v4.1: 1 of 1,604,494 alleles (0.000062%); highest among the groups gnomAD compares: East Asian, 0.0022%; no homozygotes.

Submissions (2):

Ambry Genetics
Classification: Uncertain significance for Hereditary cancer-predisposing syndrome. Last evaluated: 2022-05-14. Review status: criteria provided, single submitter. Criteria: Ambry Variant Classification Scheme 2023. Collection method: clinical testing. Allele origin: germline.
Comment: The p.H83R variant (also known as c.248A>G), located in coding exon 2 of the CDKN2A gene, results from an A to G substitution at nucleotide position 248. The histidine at codon 83 is replaced by arginine, an amino acid with highly similar properties. This amino acid position is highly conserved in available vertebrate species. In addition, this alteration is predicted to be deleterious by in silico analysis. Since supporting evidence is limited at this time, the clinical significance of this alteration remains unclear.

Department of Molecular Diagnostics, Institute of Oncology Ljubljana
Classification: Pathogenic for Melanoma-pancreatic cancer syndrome. Last evaluated: 2020-04-02. Review status: criteria provided, single submitter. Criteria: ACMG Guidelines, 2015. Collection method: clinical testing. Allele origin: germline. Affected: yes.

NM_000077.5(CDKN2A):c.248A>G (p.His83Arg)

Gene: CDKN2A (cyclin dependent kinase inhibitor 2A; minus strand). Cytogenetic location: 9p21.3.
Variant type: single nucleotide variant.
Coding change: c.248A>G on transcript NM_000077.5; coding-DNA position 248, A replaced by G.
Protein change: p.His83Arg; replaces histidine 83 with arginine.
Molecular consequence: missense variant (on NM_000077.6). On other transcripts: synonymous variant (1), 3 prime UTR variant (1).
Genome position (GRCh38, 1-based): chr9:21,971,111, T>C on the plus strand (A>G on the coding strand, the complement: CDKN2A is on the minus strand). VCF-style: chr9-21971111-T-C. GRCh37 (hg19) VCF-style: chr9-21971110-T-C.
Other names: c.248A>G, p.His83Arg (NM_000077.6, NM_001195132.2); c.95A>G, p.His32Arg (NM_001363763.2); c.291A>G, p.Ala97= (NM_058195.4); c.*171A>G (NM_058197.5); short protein forms H83R, H32R.
Identifiers: ClinVar variation 376379 (VCV000376379.4), dbSNP rs1057519881, ClinGen allele CA16602818.